The following is an entry in ClinVar:

ClinVar aggregate classification (germline): Uncertain significance (1 of 4 stars; one submission).

Submission:

GeneDx
Classification: Uncertain significance. Last evaluated: 2022-09-22. Review status: criteria provided, single submitter. Criteria: GeneDx Variant Classification Process June 2021. Collection method: clinical testing. Allele origin: germline. Affected: yes.
Comment: Not observed at significant frequency in large population cohorts (gnomAD); In silico analysis supports that this missense variant has a deleterious effect on protein structure/function; Has not been previously published as pathogenic or benign to our knowledge; Variants in candidate genes are classified as variants of uncertain significance in accordance with ACMG guidelines (Richards et al., 2015)

NM_001357.5(DHX9):c.3076T>G (p.Ser1026Ala)

Gene: DHX9 (DExH-box helicase 9; plus strand). Cytogenetic location: 1q25.3.
Variant type: single nucleotide variant.
Coding change: c.3076T>G on transcript NM_001357.5 (MANE Select); coding-DNA position 3076, T replaced by G.
Protein change: p.Ser1026Ala; replaces serine 1026 with alanine.
Molecular consequence: missense variant. On other transcripts: non-coding transcript variant (1).
Genome position (GRCh38, 1-based): chr1:182,883,300, T>G. VCF-style: chr1-182883300-T-G. GRCh37 (hg19) VCF-style: chr1-182852435-T-G.
Other names: short protein forms S1026A.
Identifiers: ClinVar variation 2579523 (VCV002579523.1), dbSNP rs2526455214, ClinGen allele CA343669206.